The following is an entry in ClinVar:

NM_000383.4(AIRE):c.205C>T (p.Gln69Ter)

Gene: AIRE (autoimmune regulator; plus strand). Cytogenetic location: 21q22.3.
Variant type: single nucleotide variant.
Coding change: c.205C>T on transcript NM_000383.4 (MANE Select); coding-DNA position 205, C replaced by T.
Protein change: p.Gln69Ter; replaces glutamine 69 with a stop codon.
Molecular consequence: nonsense.
Genome position (GRCh38, 1-based): chr21:44,286,629, C>T. VCF-style: chr21-44286629-C-T. GRCh37 (hg19) VCF-style: chr21-45706512-C-T.
Other names: c.205C>T (NM_000383.3); short protein forms Q69*.
Identifiers: ClinVar variation 1454596 (VCV001454596.8), dbSNP rs2146375836, ClinGen allele CA410423348.
Genomic context (GRCh38, chr21:44,286,629, plus strand): 5'-CTGAAGGAAAAGGAGGGCTGCCCCCAGGCCTTCCACGCCCTCCTGTCCTGGCTGCTGACC[C>T]AGGACTCCACAGCCATCCTGGACTTCTGGAGGGTGCTGTTCAAGGACTACAACCTGGAGC-3'

ClinVar aggregate classification (germline): Pathogenic. Review status: criteria provided, single submitter (1 of 4 stars). 2 submissions from 2 submitters: Pathogenic (1). 1 of the submissions does not count toward it. Last evaluated 2022-04-25.

Conditions:
AIRE-related disorder. Also called: AIRE-related condition.
Polyglandular autoimmune syndrome, type 1 (APS1). Also called: HYPOADRENOCORTICISM WITH HYPOPARATHYROIDISM AND SUPERFICIAL MONILIASIS; PGA I; Autoimmune polyendocrine syndrome type 1; Whitaker syndrome; Autoimmune polyendocrinopathy syndrome, type I; AUTOIMMUNE POLYENDOCRINE SYNDROME, TYPE I, WITH OR WITHOUT REVERSIBLE METAPHYSEAL DYSPLASIA. Identifiers: Orphanet 3453, MedGen C0085859, MONDO:0009411, OMIM 240300.

Allele frequency attached by ClinVar (database versions not stated): gnomAD exomes below 0.00001.

Submissions (2):

Labcorp Genetics (formerly Invitae), Labcorp
Classification: Pathogenic for Polyglandular autoimmune syndrome, type 1. Last evaluated: 2022-04-25. Review status: criteria provided, single submitter. Criteria: Invitae Variant Classification Sherloc (09022015). Collection method: clinical testing. Allele origin: germline.
Comment: For these reasons, this variant has been classified as Pathogenic. This premature translational stop signal has been observed in individual(s) with hypoparathyroidism (PMID: 31433868). This variant is not present in population databases (gnomAD no frequency). This sequence change creates a premature translational stop signal (p.Gln69*) in the AIRE gene. It is expected to result in an absent or disrupted protein product. Loss-of-function variants in AIRE are known to be pathogenic (PMID: 11524731, 26141571).

PreventionGenetics, part of Exact Sciences
Classification: Pathogenic for AIRE-related condition. Last evaluated: 2024-05-22. Review status: no assertion criteria provided. Collection method: clinical testing. Allele origin: germline. Not counted in ClinVar's aggregate classification.
Comment: The AIRE c.205C>T variant is predicted to result in premature protein termination (p.Gln69*). This variant has been reported in an individual with hypoparathyroidism (Table 1, Wang et al. 2019. PubMed ID: 31433868). This variant has not been reported in a large population database, indicating this variant is rare. Nonsense variants in AIRE are expected to be pathogenic. This variant is interpreted as pathogenic.

Literature cited by the submitters: PubMed 31433868 (cited by Labcorp Genetics (formerly Invitae), Labcorp); PubMed 11524731 (cited by Labcorp Genetics (formerly Invitae), Labcorp); PubMed 26141571 (cited by Labcorp Genetics (formerly Invitae), Labcorp).